The following is an entry in ClinVar:

ClinVar aggregate classification (germline): Uncertain significance (1 of 4 stars; one submission).

Allele frequency attached by ClinVar (database versions not stated): gnomAD exomes 0.00002; gnomAD 0.00003; TOPMed 0.00003; ExAC 0.00005; ESP Exome Variant Server 0.00008.
gnomAD v4.1: 32 of 1,613,464 alleles (0.002%); highest among the groups gnomAD compares: Middle Eastern, 0.016%; no homozygotes.

Submission:

Labcorp Genetics (formerly Invitae), Labcorp
Classification: Uncertain significance. Last evaluated: 2021-12-12. Review status: criteria provided, single submitter. Criteria: Invitae Variant Classification Sherloc (09022015). Collection method: clinical testing. Allele origin: germline.
Comment: Algorithms developed to predict the effect of missense changes on protein structure and function (SIFT, PolyPhen-2, Align-GVGD) all suggest that this variant is likely to be tolerated. In summary, the available evidence is currently insufficient to determine the role of this variant in disease. Therefore, it has been classified as a Variant of Uncertain Significance. This variant has not been reported in the literature in individuals affected with ATP8A2-related conditions. This variant is present in population databases (rs368163155, gnomAD 0.005%). This sequence change replaces alanine, which is neutral and non-polar, with valine, which is neutral and non-polar, at codon 1117 of the ATP8A2 protein (p.Ala1117Val).

NM_016529.6(ATP8A2):c.3350C>T (p.Ala1117Val)

Gene: ATP8A2 (ATPase phospholipid transporting 8A2). Cytogenetic location: 13q12.13.
Variant type: single nucleotide variant.
Coding change: c.3350C>T on transcript NM_016529.6 (MANE Select); coding-DNA position 3350, C replaced by T.
Protein change: p.Ala1117Val; replaces alanine 1117 with valine.
Molecular consequence: missense variant.
Genome position (GRCh38, 1-based): chr13:25,968,652, C>T. VCF-style: chr13-25968652-C-T. GRCh37 (hg19) VCF-style: chr13-26542790-C-T.
Other names: c.3155C>T, p.Ala1052Val (NM_001313741.1); c.3275C>T, p.Ala1092Val (NM_001411005.1); short protein forms A1052V, A1092V, A1117V.
Identifiers: ClinVar variation 2176746 (VCV002176746.4), dbSNP rs368163155, ClinGen allele CA6923695.